The following is an entry in ClinVar:

ClinVar aggregate classification (germline): Pathogenic (1 of 4 stars; one submission).

Conditions:
Familial focal epilepsy with variable foci (FPEVF). Identifiers: Orphanet 98820, MedGen C1858477, MONDO:0020310.

Submission:

Labcorp Genetics (formerly Invitae), Labcorp
Classification: Pathogenic for Familial focal epilepsy with variable foci. Last evaluated: 2021-03-24. Review status: criteria provided, single submitter. Criteria: Invitae Variant Classification Sherloc (09022015). Collection method: clinical testing. Allele origin: germline.
Comment: This sequence change creates a premature translational stop signal (p.Tyr397*) in the DEPDC5 gene. It is expected to result in an absent or disrupted protein product. Loss-of-function variants in DEPDC5 are known to be pathogenic (PMID: 23542697, 23542701). This variant is not present in population databases (ExAC no frequency). This variant has not been reported in the literature in individuals with DEPDC5-related conditions. For these reasons, this variant has been classified as Pathogenic.

Literature cited by the submitters: PubMed 23542697; PubMed 23542701.

NM_001242896.3(DEPDC5):c.1191T>A (p.Tyr397Ter)

Gene: DEPDC5 (DEP domain containing 5, GATOR1 subcomplex subunit; plus strand). Cytogenetic location: 22q12.3.
Variant type: single nucleotide variant.
Coding change: c.1191T>A on transcript NM_001242896.3 (MANE Select); coding-DNA position 1191, T replaced by A.
Protein change: p.Tyr397Ter; replaces tyrosine 397 with a stop codon.
Molecular consequence: nonsense. On other transcripts: non-coding transcript variant (5).
Genome position (GRCh38, 1-based): chr22:31,804,889, T>A. VCF-style: chr22-31804889-T-A. GRCh37 (hg19) VCF-style: chr22-32200875-T-A.
Other names: c.1191T>A, p.Tyr397Ter (NM_001007188.4, NM_001136029.4, NM_001242897.2 and 7 more transcripts); c.1107T>A, p.Tyr369Ter (NM_001369901.1, NM_001369902.1); short protein forms Y369*, Y397*.
Identifiers: ClinVar variation 1418600 (VCV001418600.6), dbSNP rs1320510912, ClinGen allele CA411293598.